The following is an entry in ClinVar:

ClinVar aggregate classification (germline): Conflicting classifications of pathogenicity. Review status: criteria provided, conflicting classifications (1 of 4 stars). 5 submissions from 5 submitters: Uncertain significance (4); Likely benign (1). Last evaluated 2025-12-29.

Conditions:
POLD1-related polyposis and colorectal cancer syndrome (CRCS10). Also called: COLORECTAL CANCER, SUSCEPTIBILITY TO, ON CHROMOSOME 19q; Colorectal cancer 10; Colorectal cancer, susceptibility to, 10. Identifiers: Orphanet 220460, MedGen C2675481, MONDO:0012953, OMIM 612591.
Hereditary cancer-predisposing syndrome. Also called: Hereditary Cancer Syndrome; Neoplastic Syndromes, Hereditary; Hereditary neoplastic syndrome; Tumor predisposition. Identifiers: Orphanet 140162, MedGen C0027672, MeSH D009386, MONDO:0015356.

Allele frequency attached by ClinVar (database versions not stated): TOPMed 0.00002.
gnomAD v4.1: 103 of 1,608,278 alleles (0.0064%); highest among the groups gnomAD compares: Non-Finnish European, 0.0086%; no homozygotes.

Submissions (5):

Center for Genomic Medicine, Rigshospitalet, Copenhagen University Hospital
Classification: Uncertain significance. Last evaluated: 2025-12-29. Review status: criteria provided, single submitter. Criteria: ACMG Guidelines, 2015. Collection method: clinical testing. Allele origin: germline.

Labcorp Genetics (formerly Invitae), Labcorp
Classification: Uncertain significance for POLD1-related polyposis and colorectal cancer syndrome. Last evaluated: 2025-12-15. Review status: criteria provided, single submitter. Criteria: Invitae Variant Classification Sherloc (09022015). Collection method: clinical testing. Allele origin: germline.
Comment: This sequence change replaces arginine, which is basic and polar, with proline, which is neutral and non-polar, at codon 6 of the POLD1 protein (p.Arg6Pro). This variant is present in population databases (rs778275831, gnomAD 0.005%). This variant has not been reported in the literature in individuals affected with POLD1-related conditions. ClinVar contains an entry for this variant (Variation ID: 239256). Experimental studies and prediction algorithms are not available or were not evaluated, and the functional significance of this variant is currently unknown. In summary, the available evidence is currently insufficient to determine the role of this variant in disease. Therefore, it has been classified as a Variant of Uncertain Significance.

Ambry Genetics
Classification: Likely benign for Hereditary cancer-predisposing syndrome. Last evaluated: 2024-03-28. Review status: criteria provided, single submitter. Criteria: Ambry Variant Classification Scheme 2023. Collection method: clinical testing. Allele origin: germline.

GeneDx
Classification: Uncertain significance. Last evaluated: 2024-03-27. Review status: criteria provided, single submitter. Criteria: GeneDx Variant Classification Process June 2021. Collection method: clinical testing. Allele origin: germline. Affected: yes.
Comment: Not observed at significant frequency in large population cohorts (gnomAD); In silico analysis supports that this missense variant does not alter protein structure/function; Has not been previously published as pathogenic or benign to our knowledge

Quest Diagnostics Nichols Institute San Juan Capistrano
Classification: Uncertain significance. Last evaluated: 2018-08-02. Review status: criteria provided, single submitter. Criteria: Quest Diagnostics criteria. Collection method: clinical testing. Allele origin: germline.

NM_002691.4(POLD1):c.17G>C (p.Arg6Pro)

Gene: POLD1 (DNA polymerase delta 1, catalytic subunit; plus strand). Cytogenetic location: 19q13.33.
Variant type: single nucleotide variant.
Coding change: c.17G>C on transcript NM_002691.4 (MANE Select); coding-DNA position 17, G replaced by C.
Protein change: p.Arg6Pro; replaces arginine 6 with proline.
Molecular consequence: missense variant. On other transcripts: non-coding transcript variant (1).
Genome position (GRCh38, 1-based): chr19:50,398,868, G>C. VCF-style: chr19-50398868-G-C. GRCh37 (hg19) VCF-style: chr19-50902125-G-C.
Other names: c.17G>C, p.Arg6Pro (NM_001256849.1, NM_001308632.1); c.17G>C (NM_002691.2); short protein forms R6P.
Identifiers: ClinVar variation 239256 (VCV000239256.21), dbSNP rs778275831, ClinGen allele CA9595584.